The following is an entry in ClinVar:

ClinVar aggregate classification (germline): Uncertain significance. Review status: criteria provided, multiple submitters, no conflicts (2 of 4 stars). 2 submissions from 2 submitters: Uncertain significance (2). Last evaluated 2026-02-26.

Conditions:
ABCB4-related disorder. Also called: ABCB4-related disorders; ABCB4-related condition.
Inborn genetic diseases. Identifiers: MedGen C0950123, MeSH D030342.

gnomAD v4.1: 5 of 1,613,878 alleles (0.00031%); highest among the groups gnomAD compares: South Asian, 0.0033%; no homozygotes.

Submissions (2):

PreventionGenetics, part of Exact Sciences
Classification: Uncertain significance for ABCB4-related condition. Last evaluated: 2026-02-26. Review status: criteria provided, single submitter. Criteria: ACMG Guidelines, 2015. Collection method: clinical testing. Allele origin: germline.
Comment: The ABCB4 c.3586C>T variant is predicted to result in the amino acid substitution p.Leu1196Phe. To our knowledge, this variant has not been reported in the literature. This variant is reported in 0.0033% of alleles in individuals of South Asian descent in gnomAD. At this time, the clinical significance of this variant is uncertain due to the absence of conclusive functional and genetic evidence.

Ambry Genetics
Classification: Uncertain significance for Inborn genetic diseases. Last evaluated: 2024-12-04. Review status: criteria provided, single submitter. Criteria: Ambry Variant Classification Scheme 2023. Collection method: clinical testing. Allele origin: germline.

NM_000443.4(ABCB4):c.3586C>T (p.Leu1196Phe)

Gene: ABCB4 (ATP binding cassette subfamily B member 4; minus strand). Cytogenetic location: 7q21.12.
Variant type: single nucleotide variant.
Coding change: c.3586C>T on transcript NM_000443.4 (MANE Select); coding-DNA position 3586, C replaced by T.
Protein change: p.Leu1196Phe; replaces leucine 1196 with phenylalanine.
Molecular consequence: missense variant.
Genome position (GRCh38, 1-based): chr7:87,403,182, G>A on the plus strand (C>T on the coding strand, the complement: ABCB4 is on the minus strand). VCF-style: chr7-87403182-G-A. GRCh37 (hg19) VCF-style: chr7-87032498-G-A.
Other names: c.3607C>T, p.Leu1203Phe (NM_018849.3); c.3445C>T, p.Leu1149Phe (NM_018850.3); short protein forms L1149F, L1203F, L1196F.
Identifiers: ClinVar variation 3532844 (VCV003532844.2).
Genomic context (GRCh38, chr7:87,403,182, plus strand): 5'-AGGCCACACACACCTTTTCACTTTCAGTATCCAGAGCTGATGTAGCTTCATCCAACAGGA[G>A]GATTTGAGGTTGTCTGATGAGGGCTCGGGCAATAGCAATCCTCTGTTTTTGACCTCCTGA-3'
Protein context (NP_000434.1, residues 1186-1206): ARALIRQPQI[Leu1196Phe]LLDEATSALD